The following is an entry in ClinVar:

NM_005188.4(CBL):c.1112A>C (p.Tyr371Ser)

Gene: CBL (Cbl proto-oncogene; plus strand). Cytogenetic location: 11q23.3.
Variant type: single nucleotide variant.
Coding change: c.1112A>C on transcript NM_005188.4 (MANE Select); coding-DNA position 1112, A replaced by C.
Protein change: p.Tyr371Ser; replaces tyrosine 371 with serine.
Molecular consequence: missense variant.
Genome position (GRCh38, 1-based): chr11:119,278,182, A>C. VCF-style: chr11-119278182-A-C. GRCh37 (hg19) VCF-style: chr11-119148892-A-C.
Other names: c.1112A>C (NM_005188.2); short protein forms Y371S.
Identifiers: ClinVar variation 548022 (VCV000548022.17), dbSNP rs387906666, ClinGen allele CA382912305.
Genomic context (GRCh38, chr11:119,278,182, plus strand): 5'-GTTATTTATTCAACTAATAGTCTTTTAATTTTTTTTAATCAAAGGAACAATATGAATTAT[A>C]CTGTGAGATGGGCTCCACATTCCAACTATGTAAAATATGTGCTGAAAATGATAAGGATGT-3'
Protein context (NP_005179.2, residues 361-381): IKVTQEQYEL[Tyr371Ser]CEMGSTFQLC

ClinVar aggregate classification (germline): Pathogenic/Likely pathogenic. Review status: criteria provided, multiple submitters, no conflicts (2 of 4 stars). 4 submissions from 4 submitters: Pathogenic (2); Likely pathogenic (2). Last evaluated 2024-09-23.
ClinVar aggregate classification (somatic clinical impact): Tier II - Potential (1 of 4 stars; one submission).

Conditions:
RASopathy. Also called: Noonan spectrum disorder; rasopathies. Identifiers: Orphanet 536391, MedGen C5555857, MONDO:0021060.
Juvenile myelomonocytic leukemia (JMML). Also called: LEUKEMIA, JUVENILE MYELOMONOCYTIC, SOMATIC. Identifiers: Orphanet 86834, MedGen C0349639, MONDO:0011908, OMIM 607785, HP:0012209.
CBL-related disorder. Also called: NOONAN SYNDROME-LIKE DISORDER WITHOUT JUVENILE MYELOMONOCYTIC LEUKEMIA; CBL MUTATION-ASSOCIATED SYNDROME; CBL SYNDROME. Identifiers: Orphanet 363972, MedGen C3150803, MONDO:0013308, OMIM 613563.
Pilocytic astrocytoma. Also called: Pilocytic astrocytoma, somatic. Identifiers: Orphanet 251612, MedGen C0334583, MONDO:0016691, HP:0033680.

gnomAD v4.1: 1 of 1,602,610 alleles (0.000062%); no homozygotes.

Submissions (5):

Labcorp Genetics (formerly Invitae), Labcorp
Classification: Likely pathogenic for RASopathy. Last evaluated: 2024-09-23. Review status: criteria provided, single submitter. Criteria: Invitae Variant Classification Sherloc (09022015). Collection method: clinical testing. Allele origin: germline.
Comment: This sequence change replaces tyrosine, which is neutral and polar, with serine, which is neutral and polar, at codon 371 of the CBL protein (p.Tyr371Ser). This variant is not present in population databases (gnomAD no frequency). This missense change has been observed in individual(s) with clinical features of Noonan syndrome (internal data). ClinVar contains an entry for this variant (Variation ID: 548022). Invitae Evidence Modeling of protein sequence and biophysical properties (such as structural, functional, and spatial information, amino acid conservation, physicochemical variation, residue mobility, and thermodynamic stability) indicates that this missense variant is expected to disrupt CBL protein function with a positive predictive value of 95%. Experimental studies have shown that this missense change affects CBL function (PMID: 19620960, 27609087). This variant disrupts the p.Tyr371 amino acid residue in CBL. Other variant(s) that disrupt this residue have been determined to be pathogenic (PMID: 20543203, 20694012, 25283271, 25952305, 28414188). This suggests that this residue is clinically significant, and that variants that disrupt this residue are likely to be disease-causing. In summary, the currently available evidence indicates that the variant is pathogenic, but additional data are needed to prove that conclusively. Therefore, this variant has been classified as Likely Pathogenic.

Institute for Genomic Medicine (IGM) Clinical Laboratory, Nationwide Children's Hospital
Classification: Tier II - Potential for Pilocytic astrocytoma. Assertion type: diagnostic. Clinical significance: supports diagnosis. Last evaluated: 2024-07-17. Review status: criteria provided, single submitter. Criteria: AMP/ASCO/CAP Guidelines, 2017. Collection method: clinical testing. Allele origin: somatic. Affected: yes.
Comment: Variant has Tier II (potential) clinical significance as a diagnostic inclusion criterion in pilocytic astrocytoma, based on the following evidence: 1) Documented in one or more cancer databases (e.g., St. Jude Pecan, COSMIC, CIViC, OncoKB). 2) Information in the literature supports potential biologic effect of variant (PMIDs: 19620960, 27609087). 3) Assists in diagnosis alone or along with other biomarkers based on small studies or few case reports (Evidence Level D; PMIDs: 20357823, 19571318, 20622007).

GeneDx
Classification: Pathogenic. Last evaluated: 2024-02-27. Review status: criteria provided, single submitter. Criteria: GeneDx Variant Classification Process June 2021. Collection method: clinical testing. Allele origin: germline. Affected: yes.
Comment: Published functional studies demonstrate the variant results in abnormal protein function (PMID: 19620960); In silico analysis supports that this missense variant has a deleterious effect on protein structure/function; Not observed at significant frequency in large population cohorts (gnomAD); This variant is associated with the following publications: (PMID: 27609087, 33627783, 20501843, 31216405, 22131879, 33144682, 19620960, 20619386, 22315494)

Baylor Genetics
Classification: Likely pathogenic for Juvenile myelomonocytic leukemia; CBL-related disorder. Last evaluated: 2018-10-12. Review status: criteria provided, single submitter. Criteria: ACMG Guidelines, 2015. Collection method: clinical testing. Allele origin: germline. Affected: yes.

Mayo Clinic Laboratories, Mayo Clinic
Classification: Pathogenic for CBL-related disorder; Juvenile myelomonocytic leukemia. Last evaluated: 2018-01-26. Review status: criteria provided, single submitter. Criteria: ACMG Guidelines, 2015. Collection method: clinical testing. Allele origin: de novo.

Literature cited by the submitters: PubMed 19620960 (cited by Labcorp Genetics (formerly Invitae), Labcorp and Institute for Genomic Medicine (IGM) Clinical Laboratory, Nationwide Children's Hospital); PubMed 27609087 (cited by Labcorp Genetics (formerly Invitae), Labcorp and Institute for Genomic Medicine (IGM) Clinical Laboratory, Nationwide Children's Hospital); PubMed 20543203 (cited by Labcorp Genetics (formerly Invitae), Labcorp); PubMed 20694012 (cited by Labcorp Genetics (formerly Invitae), Labcorp); PubMed 25283271 (cited by Labcorp Genetics (formerly Invitae), Labcorp); PubMed 25952305 (cited by Labcorp Genetics (formerly Invitae), Labcorp); PubMed 28414188 (cited by Labcorp Genetics (formerly Invitae), Labcorp); PubMed 20357823 (cited by Institute for Genomic Medicine (IGM) Clinical Laboratory, Nationwide Children's Hospital); PubMed 19571318 (cited by Institute for Genomic Medicine (IGM) Clinical Laboratory, Nationwide Children's Hospital); PubMed 20622007 (cited by Institute for Genomic Medicine (IGM) Clinical Laboratory, Nationwide Children's Hospital).